The following is an entry in ClinVar:

NM_000350.3(ABCA4):c.5206T>C (p.Ser1736Pro)

Gene: ABCA4 (ATP binding cassette subfamily A member 4; minus strand). Cytogenetic location: 1p22.1.
Variant type: single nucleotide variant.
Coding change: c.5206T>C on transcript NM_000350.3 (MANE Select); coding-DNA position 5206, T replaced by C.
Protein change: p.Ser1736Pro; replaces serine 1736 with proline.
Molecular consequence: missense variant.
Genome position (GRCh38, 1-based): chr1:94,015,845, A>G on the plus strand (T>C on the coding strand, the complement: ABCA4 is on the minus strand). VCF-style: chr1-94015845-A-G. GRCh37 (hg19) VCF-style: chr1-94481401-A-G.
Other names: c.4984T>C, p.Ser1662Pro (NM_001425324.1); short protein forms S1736P, S1662P.
Identifiers: ClinVar variation 99357 (VCV000099357.11), dbSNP rs61750568, ClinGen allele CA227286.

ClinVar aggregate classification (germline): Pathogenic/Likely pathogenic. Review status: criteria provided, multiple submitters, no conflicts (2 of 4 stars). 3 submissions from 3 submitters: Pathogenic (1); Likely pathogenic (1). 1 of the submissions does not count toward it. Last evaluated 2025-03-27.

Conditions:
ABCA4-related disorder. Also called: ABCA4-related disorders; ABCA4-related condition. Identifiers: MedGen CN239167.

Allele frequency attached by ClinVar (database versions not stated): gnomAD exomes below 0.00001; ExAC 0.00001; gnomAD 0.00001; TOPMed 0.00001.
gnomAD v4.1: 2 of 1,613,316 alleles (0.00012%); highest among the groups gnomAD compares: African/African-American, 0.0013%; no homozygotes.

Submissions (3):

Labcorp Genetics (formerly Invitae), Labcorp
Classification: Likely pathogenic. Last evaluated: 2025-03-27. Review status: criteria provided, single submitter. Criteria: Invitae Variant Classification Sherloc (09022015). Collection method: clinical testing. Allele origin: germline.
Comment: This sequence change replaces serine, which is neutral and polar, with proline, which is neutral and non-polar, at codon 1736 of the ABCA4 protein (p.Ser1736Pro). This variant is present in population databases (rs61750568, gnomAD 0.007%). This missense change has been observed in individual(s) with ABCA4-related conditions and/or Stargardt Disease (PMID: 11846518, 27939946; internal data). ClinVar contains an entry for this variant (Variation ID: 99357). Invitae Evidence Modeling of protein sequence and biophysical properties (such as structural, functional, and spatial information, amino acid conservation, physicochemical variation, residue mobility, and thermodynamic stability) indicates that this missense variant is expected to disrupt ABCA4 protein function with a positive predictive value of 95%. In summary, the currently available evidence indicates that the variant is pathogenic, but additional data are needed to prove that conclusively. Therefore, this variant has been classified as Likely Pathogenic.

Blueprint Genetics
Classification: Pathogenic for ABCA4-related disorders. Last evaluated: 2021-11-10. Review status: criteria provided, single submitter. Criteria: ACMG Guidelines, 2015. Collection method: clinical testing. Allele origin: germline. Affected: yes. Observed: 4 variant alleles.

Retina International
No classification provided. Review status: no classification provided. Collection method: not provided. Allele origin: not provided. Not counted in ClinVar's aggregate classification.

Literature cited by the submitters: PubMed 11846518 (cited by Labcorp Genetics (formerly Invitae), Labcorp); PubMed 27939946 (cited by Labcorp Genetics (formerly Invitae), Labcorp).